The following is an entry in ClinVar:

NM_005213.4(CSTA):c.64A>T (p.Lys22Ter)

Gene: CSTA (cystatin A; plus strand). Cytogenetic location: 3q21.1.
Variant type: single nucleotide variant.
Coding change: c.64A>T on transcript NM_005213.4 (MANE Select); coding-DNA position 64, A replaced by T.
Protein change: p.Lys22Ter; replaces lysine 22 with a stop codon.
Molecular consequence: nonsense.
Genome position (GRCh38, 1-based): chr3:122,325,356, A>T. VCF-style: chr3-122325356-A-T. GRCh37 (hg19) VCF-style: chr3-122044203-A-T.
Other names: short protein forms K22*.
Identifiers: ClinVar variation 208472 (VCV000208472.6), dbSNP rs747711488, ClinGen allele CA204465.

ClinVar aggregate classification (germline): Pathogenic. Review status: criteria provided, multiple submitters, no conflicts (2 of 4 stars). 3 submissions from 3 submitters: Pathogenic (2). 1 of the submissions does not count toward it. Last evaluated 2024-12-12.

Conditions:
Peeling skin syndrome 4 (PSS4). Also called: Ichthyosis bullosa of Siemens-like. Identifiers: Orphanet 289586, MedGen C4225407, MONDO:0011937, OMIM 607936.

Allele frequency attached by ClinVar (database versions not stated): ExAC 0.00001; TOPMed 0.00002; gnomAD 0.00002 and 0.00003; gnomAD exomes 0.00001.

Submissions (3):

Revvity Omics, Revvity
Classification: Pathogenic for Peeling skin syndrome 4. Last evaluated: 2024-12-12. Review status: criteria provided, single submitter. Criteria: ACMG Guidelines, 2015. Collection method: clinical testing. Allele origin: germline.

GeneDx
Classification: Pathogenic. Last evaluated: 2019-02-14. Review status: criteria provided, single submitter. Criteria: GeneDx Variant Classification (06012015). Collection method: clinical testing. Allele origin: germline. Affected: yes.
Comment: The K22X pathogenic variant in the CSTA gene has been reported previously in the homozygous state in a family with acral peeling skin syndrome (Krunic et al., 2014). This variant is predicted to cause loss of normal protein function either through protein truncation or nonsense-mediated mRNA decay. The K22X variant is observed in 4/126,726 (0.0032%) alleles from individuals of non-Finnish European background in large population cohorts (Lek et al., 2016). We interpret K22X as a pathogenic variant.

OMIM
Classification: Pathogenic for PEELING SKIN SYNDROME 4. Last evaluated: 2013-09-01. Review status: no assertion criteria provided. Collection method: literature only. Allele origin: germline. Not counted in ClinVar's aggregate classification.

Literature cited by the submitters: PubMed 22066523 (cited by OMIM); PubMed 23534700 (cited by OMIM).